The following is an entry in ClinVar:

ClinVar aggregate classification (germline): Uncertain significance (1 of 4 stars; one submission).

Conditions:
CELSR3-related disorder. Also called: CELSR3-related condition.

Allele frequency attached by ClinVar (database versions not stated): gnomAD exomes below 0.00001; TOPMed below 0.00001.

Submission:

PreventionGenetics, part of Exact Sciences
Classification: Uncertain significance for CELSR3-related condition. Last evaluated: 2023-02-24. Review status: criteria provided, single submitter. Criteria: ACMG Guidelines, 2015. Collection method: clinical testing. Allele origin: germline.
Comment: The CELSR3 c.4505G>A variant is predicted to result in the amino acid substitution p.Cys1502Tyr. To our knowledge, this variant has not been reported in the literature or in a large population database, indicating this variant is rare. At this time, the clinical significance of this variant is uncertain due to the absence of conclusive functional and genetic evidence.

NM_001407.3(CELSR3):c.4505G>A (p.Cys1502Tyr)

Gene: CELSR3 (cadherin EGF LAG seven-pass G-type receptor 3; minus strand). Cytogenetic location: 3p21.31.
Variant type: single nucleotide variant.
Coding change: c.4505G>A on transcript NM_001407.3 (MANE Select); coding-DNA position 4505, G replaced by A.
Protein change: p.Cys1502Tyr; replaces cysteine 1502 with tyrosine.
Molecular consequence: missense variant.
Genome position (GRCh38, 1-based): chr3:48,656,260, C>T on the plus strand (G>A on the coding strand, the complement: CELSR3 is on the minus strand). VCF-style: chr3-48656260-C-T. GRCh37 (hg19) VCF-style: chr3-48693693-C-T.
Other names: short protein forms C1502Y.
Identifiers: ClinVar variation 2630169 (VCV002630169.1), dbSNP rs2047180596, ClinGen allele CA352758895.
Genomic context (GRCh38, chr3:48,656,260, plus strand): 5'-GGCGGGAAGGAGCGCGCAGCCACCTCGCAGCGCGGGCCCTCGAAGGCGCCGCCTGCCGGG[C>T]ACTGGCAGCGAAAGCCGCCGTTGGGCGCGTCGGTGCAGGTGCCCCCGTTGCGGCAGACGC-3'
Protein context (NP_001398.2, residues 1492-1512): DAPNGGFRCQ[Cys1502Tyr]PAGGAFEGPR